The following is an entry in ClinVar:

ClinVar aggregate classification (germline): Uncertain significance. Review status: criteria provided, multiple submitters, no conflicts (2 of 4 stars). 4 submissions from 4 submitters: Uncertain significance (4). Last evaluated 2025-08-06.

Conditions:
TTN-related disorder. Also called: TTN-related disorders; TTN-related condition; TTN-related disease.
Dilated cardiomyopathy 1G (CMD1G). Identifiers: Orphanet 154, MedGen C1858763, MONDO:0011400, OMIM 604145.
Autosomal recessive limb-girdle muscular dystrophy type 2J (LGMDR10). Also called: MUSCULAR DYSTROPHY, LIMB-GIRDLE, AUTOSOMAL RECESSIVE 10; Limb-girdle muscular dystrophy, type 2J. Identifiers: Orphanet 140922, MedGen C1837342, MONDO:0012127, OMIM 608807.
Hypertrophic cardiomyopathy 9. Also called: Familial hypertrophic cardiomyopathy 9. Identifiers: MedGen C1861065, MONDO:0013412, OMIM 613765.
Early-onset myopathy with fatal cardiomyopathy (CMYO5). Also called: CONGENITAL MYOPATHY 5 WITH CARDIOMYOPATHY; Salih Myopathy. Identifiers: Orphanet 289377, MedGen C2673677, MONDO:0012714, OMIM 611705. Disease mechanism: loss of function.
Tibial muscular dystrophy (TMD). Also called: Tibial muscular dystrophy, tardive; Udd Distal Myopathy – Tibial Muscular Dystrophy; UDD MYOPATHY. Identifiers: Orphanet 609, MedGen C1838244, MONDO:0010870, OMIM 600334.
Myopathy, myofibrillar, 9, with early respiratory failure (MFM9). Also called: Myopathy, distal, with early respiratory failure, autosomal dominant; Hereditary myopathy with early respiratory failure; EDSTROM MYOPATHY; MYOPATHY, PROXIMAL, WITH EARLY RESPIRATORY MUSCLE INVOLVEMENT. Identifiers: Orphanet 178464, Orphanet 34521, MedGen C1863599, MONDO:0011362, OMIM 603689.

Allele frequency attached by ClinVar (database versions not stated): TOPMed 0.00001; gnomAD 0.00002.
gnomAD v4.1: 4 of 1,613,896 alleles (0.00025%); highest among the groups gnomAD compares: African/African-American, 0.0013%; no homozygotes.

Submissions (4):

PreventionGenetics, part of Exact Sciences
Classification: Uncertain significance for TTN-related condition. Last evaluated: 2025-08-06. Review status: criteria provided, single submitter. Criteria: ACMG Guidelines, 2015. Collection method: clinical testing. Allele origin: germline.
Comment: The TTN c.104986G>T variant is predicted to result in the amino acid substitution p.Val34996Phe. To our knowledge, this variant has not been reported in the literature. This variant is reported in 0.011% of alleles in individuals of African descent in gnomAD. At this time, the clinical significance of this variant is uncertain due to the absence of conclusive functional and genetic evidence.

Labcorp Genetics (formerly Invitae), Labcorp
Classification: Uncertain significance for Dilated cardiomyopathy 1G; Autosomal recessive limb-girdle muscular dystrophy type 2J. Last evaluated: 2025-05-26. Review status: criteria provided, single submitter. Criteria: Invitae Variant Classification Sherloc (09022015). Collection method: clinical testing. Allele origin: germline.
Comment: This sequence change replaces valine, which is neutral and non-polar, with phenylalanine, which is neutral and non-polar, at codon 34996 of the TTN protein (p.Val34996Phe). This variant is present in population databases (no rsID available, gnomAD 0.01%). This variant has not been reported in the literature in individuals affected with TTN-related conditions. ClinVar contains an entry for this variant (Variation ID: 657566). Experimental studies and prediction algorithms are not available or were not evaluated, and the functional significance of this variant is currently unknown. This variant is located in the M band of TTN (PMID: 25589632). Non-truncating variants in this region may be relevant for neuromuscular disorders, but have not been definitively shown to cause cardiomyopathy (PMID: 23975875). In summary, the available evidence is currently insufficient to determine the role of this variant in disease. Therefore, it has been classified as a Variant of Uncertain Significance.

Fulgent Genetics
Classification: Uncertain significance for Tibial muscular dystrophy; Myopathy, myofibrillar, 9, with early respiratory failure; Dilated cardiomyopathy 1G; Autosomal recessive limb-girdle muscular dystrophy type 2J; Early-onset myopathy with fatal cardiomyopathy; Hypertrophic cardiomyopathy 9. Last evaluated: 2021-10-12. Review status: criteria provided, single submitter. Criteria: ACMG Guidelines, 2015. Collection method: clinical testing. Allele origin: unknown.

Revvity Omics, Revvity
Classification: Uncertain significance. Last evaluated: 2019-04-02. Review status: criteria provided, single submitter. Criteria: ACMG Guidelines, 2015. Collection method: clinical testing. Allele origin: germline.

Literature cited by the submitters: PubMed 25589632 (cited by Labcorp Genetics (formerly Invitae), Labcorp); PubMed 23975875 (cited by Labcorp Genetics (formerly Invitae), Labcorp).

NM_001267550.2(TTN):c.104986G>T (p.Val34996Phe)

Genes: TTN (titin; minus strand), TTN-AS1 (TTN antisense RNA 1; plus strand). Cytogenetic location: 2q31.2.
Variant type: single nucleotide variant.
Coding change: c.104986G>T on transcript NM_001267550.2 (MANE Select); coding-DNA position 104986, G replaced by T.
Protein change: p.Val34996Phe; replaces valine 34996 with phenylalanine.
Molecular consequence: missense variant.
Genome position (GRCh38, 1-based): chr2:178,531,629, C>A on the plus strand (G>T on the coding strand, the complement: TTN is on the minus strand). VCF-style: chr2-178531629-C-A. GRCh37 (hg19) VCF-style: chr2-179396356-C-A.
Other names: c.100063G>T, p.Val33355Phe (NM_001256850.1); c.77791G>T, p.Val25931Phe (NM_003319.4); c.97282G>T, p.Val32428Phe (NM_133378.4); c.78166G>T, p.Val26056Phe (NM_133432.3); c.78367G>T, p.Val26123Phe (NM_133437.4); short protein forms V26056F, V26123F, V32428F, V33355F, V34996F, V25931F.
Identifiers: ClinVar variation 657566 (VCV000657566.9), dbSNP rs772718460, ClinGen allele CA349409731.